The following is an entry in ClinVar:

ClinVar aggregate classification (germline): Uncertain significance. Review status: criteria provided, multiple submitters, no conflicts (2 of 4 stars). 2 submissions from 2 submitters: Uncertain significance (2). Last evaluated 2026-08-05.

gnomAD v4.1: 1 of 1,612,618 alleles (0.000062%); highest among the groups gnomAD compares: African/African-American, 0.0013%; no homozygotes.

Submissions (2):

GeneDx
Classification: Uncertain significance. Last evaluated: 2026-08-05. Review status: criteria provided, single submitter. Criteria: GeneDx Variant Classification Process June 2021. Collection method: clinical testing. Allele origin: germline.
Comment: Not observed at significant frequency in large population cohorts (gnomAD); In silico analysis suggests that this missense variant does not alter protein structure/function; Has not been previously published as pathogenic or benign to our knowledge

Labcorp Genetics (formerly Invitae), Labcorp
Classification: Uncertain significance. Last evaluated: 2024-12-05. Review status: criteria provided, single submitter. Criteria: Invitae Variant Classification Sherloc (09022015). Collection method: clinical testing. Allele origin: germline.
Comment: This sequence change replaces threonine, which is neutral and polar, with serine, which is neutral and polar, at codon 2916 of the CDH23 protein (p.Thr2916Ser). This variant is not present in population databases (gnomAD no frequency). This variant has not been reported in the literature in individuals affected with CDH23-related conditions. ClinVar contains an entry for this variant (Variation ID: 1703274). Invitae Evidence Modeling of protein sequence and biophysical properties (such as structural, functional, and spatial information, amino acid conservation, physicochemical variation, residue mobility, and thermodynamic stability) has been performed for this missense variant. However, the output from this modeling did not meet the statistical confidence thresholds required to predict the impact of this variant on CDH23 protein function. In summary, the available evidence is currently insufficient to determine the role of this variant in disease. Therefore, it has been classified as a Variant of Uncertain Significance.

NM_022124.6(CDH23):c.8746A>T (p.Thr2916Ser)

Gene: CDH23 (cadherin related 23; plus strand). Cytogenetic location: 10q22.1.
Variant type: single nucleotide variant.
Coding change: c.8746A>T on transcript NM_022124.6 (MANE Select); coding-DNA position 8746, A replaced by T.
Protein change: p.Thr2916Ser; replaces threonine 2916 with serine.
Molecular consequence: missense variant.
Genome position (GRCh38, 1-based): chr10:71,809,843, A>T. VCF-style: chr10-71809843-A-T. GRCh37 (hg19) VCF-style: chr10-73569600-A-T.
Other names: c.2026A>T, p.Thr676Ser (NM_001171933.1, NM_001171934.1); short protein forms T2916S, T676S.
Identifiers: ClinVar variation 1703274 (VCV001703274.5), dbSNP rs777205581, ClinGen allele CA377133054.